The following is an entry in ClinVar:

NM_006180.6(NTRK2):c.91G>C (p.Ala31Pro)

Gene: NTRK2 (neurotrophic receptor tyrosine kinase 2; plus strand). Cytogenetic location: 9q21.33.
Variant type: single nucleotide variant.
Coding change: c.91G>C on transcript NM_006180.6 (MANE Select); coding-DNA position 91, G replaced by C.
Protein change: p.Ala31Pro; replaces alanine 31 with proline.
Molecular consequence: missense variant.
Genome position (GRCh38, 1-based): chr9:84,670,839, G>C. VCF-style: chr9-84670839-G-C. GRCh37 (hg19) VCF-style: chr9-87285754-G-C.
Other names: c.91G>C, p.Ala31Pro (NM_001007097.3, NM_001018064.3, NM_001018065.2 and 19 more transcripts); c.91G>C (NM_001291937.1); short protein forms A31P.
Identifiers: ClinVar variation 2054145 (VCV002054145.6), dbSNP rs370304899, ClinGen allele CA374004716.

ClinVar aggregate classification (germline): Conflicting classifications of pathogenicity. Review status: criteria provided, conflicting classifications (1 of 4 stars). 2 submissions from 2 submitters: Uncertain significance (1); Likely benign (1). Last evaluated 2021-12-23.

Conditions:
Autism spectrum disorder. Also called: Autism spectrum disorders. Identifiers: MedGen C1510586, MeSH D000067877, MONDO:0005258.

gnomAD v4.1: 3 of 1,614,044 alleles (0.00019%); highest among the groups gnomAD compares: Non-Finnish European, 0.00025%; no homozygotes.

Submissions (2):

Labcorp Genetics (formerly Invitae), Labcorp
Classification: Uncertain significance. Last evaluated: 2021-12-23. Review status: criteria provided, single submitter. Criteria: Invitae Variant Classification Sherloc (09022015). Collection method: clinical testing. Allele origin: germline.
Comment: This variant has not been reported in the literature in individuals affected with NTRK2-related conditions. Algorithms developed to predict the effect of missense changes on protein structure and function are either unavailable or do not agree on the potential impact of this missense change (SIFT: "Deleterious"; PolyPhen-2: "Probably Damaging"; Align-GVGD: "Class C0"). In summary, the available evidence is currently insufficient to determine the role of this variant in disease. Therefore, it has been classified as a Variant of Uncertain Significance. This variant is not present in population databases (gnomAD no frequency). This sequence change replaces alanine, which is neutral and non-polar, with proline, which is neutral and non-polar, at codon 31 of the NTRK2 protein (p.Ala31Pro).

Department of Genetics, Rouen University Hospital, Normandy Center for Genomic and Personalized Medicine
Classification: Likely benign for Autism spectrum disorder. Last evaluated: 2021-02-17. Review status: criteria provided, single submitter. Criteria: ACMG Guidelines, 2015. Collection method: clinical testing. Allele origin: paternal. Affected: yes.